The following is an entry in ClinVar:

ClinVar aggregate classification (germline): Likely pathogenic (1 of 4 stars; one submission).

Conditions:
Autosomal recessive limb-girdle muscular dystrophy type 2J (LGMDR10). Also called: Limb-girdle muscular dystrophy, type 2J; MUSCULAR DYSTROPHY, LIMB-GIRDLE, AUTOSOMAL RECESSIVE 10. Identifiers: Orphanet 140922, MedGen C1837342, MONDO:0012127, OMIM 608807.
Dilated cardiomyopathy 1G (CMD1G). Identifiers: Orphanet 154, MedGen C1858763, MONDO:0011400, OMIM 604145.

Submission:

Labcorp Genetics (formerly Invitae), Labcorp
Classification: Likely pathogenic for Dilated cardiomyopathy 1G; Autosomal recessive limb-girdle muscular dystrophy type 2J. Last evaluated: 2025-11-10. Review status: criteria provided, single submitter. Criteria: Invitae Variant Classification Sherloc (09022015). Collection method: clinical testing. Allele origin: germline.
Comment: This sequence change creates a premature translational stop signal (p.Ser26671*) in the TTN gene. While this is not anticipated to result in nonsense mediated decay, it is expected to create a truncated TTN protein. This variant is not present in population databases (gnomAD no frequency). This variant has not been reported in the literature in individuals affected with TTN-related conditions. This variant is located in the A band of TTN (PMID: 25589632). Truncating variants in this region are significantly overrepresented in patients affected with dilated cardiomyopathy (PMID: 25589632). Truncating variants in this region have also been reported in individuals affected with autosomal recessive centronuclear myopathy (PMID: 23975875). In summary, the currently available evidence indicates that the variant is pathogenic, but additional data are needed to prove that conclusively. Therefore, this variant has been classified as Likely Pathogenic.

Literature cited by the submitters: PubMed 25589632; PubMed 23975875.

NM_001267550.2(TTN):c.80012C>A (p.Ser26671Ter)

Genes: TTN (titin; minus strand), TTN-AS1 (TTN antisense RNA 1; plus strand). Cytogenetic location: 2q31.2.
Variant type: single nucleotide variant.
Coding change: c.80012C>A on transcript NM_001267550.2 (MANE Select); coding-DNA position 80012, C replaced by A.
Protein change: p.Ser26671Ter; replaces serine 26671 with a stop codon.
Molecular consequence: nonsense.
Genome position (GRCh38, 1-based): chr2:178,566,120, G>T on the plus strand (C>A on the coding strand, the complement: TTN is on the minus strand). VCF-style: chr2-178566120-G-T. GRCh37 (hg19) VCF-style: chr2-179430847-G-T.
Other names: c.75089C>A, p.Ser25030Ter (NM_001256850.1); c.52817C>A, p.Ser17606Ter (NM_003319.4); c.72308C>A, p.Ser24103Ter (NM_133378.4); c.53192C>A, p.Ser17731Ter (NM_133432.3); c.53393C>A, p.Ser17798Ter (NM_133437.4); short protein forms S25030*, S17606*, S17731*, S17798*, S24103*, S26671*.
Identifiers: ClinVar variation 4786665 (VCV004786665.1).